The following is an entry in ClinVar:

ClinVar aggregate classification (germline): Uncertain significance. Review status: criteria provided, multiple submitters, no conflicts (2 of 4 stars). 6 submissions from 6 submitters: Uncertain significance (5). 1 of the submissions does not count toward it. Last evaluated 2025-08-07.

Conditions:
Hereditary cancer-predisposing syndrome. Also called: Tumor predisposition; Hereditary neoplastic syndrome; Neoplastic Syndromes, Hereditary; Hereditary Cancer Syndrome. Identifiers: Orphanet 140162, MedGen C0027672, MeSH D009386, MONDO:0015356.
Microcephaly, normal intelligence and immunodeficiency (NBS). Also called: BERLIN BREAKAGE SYNDROME; IMMUNODEFICIENCY, MICROCEPHALY, AND CHROMOSOMAL INSTABILITY; Ataxia telangiectasia variant V1; SEEMANOVA SYNDROME II; Immunodeficiency, microcephaly with normal intelligence; Nijmegen breakage syndrome. Identifiers: Orphanet 647, MedGen C0398791, MONDO:0009623, OMIM 251260.

Allele frequency attached by ClinVar (database versions not stated): gnomAD exomes below 0.00001; ExAC 0.00001; gnomAD 0.00002; TOPMed 0.00002.
gnomAD v4.1: 4 of 1,582,780 alleles (0.00025%); highest among the groups gnomAD compares: African/African-American, 0.0054%; no homozygotes.

Submissions (6):

Labcorp Genetics (formerly Invitae), Labcorp
Classification: Uncertain significance for Microcephaly, normal intelligence and immunodeficiency. Last evaluated: 2025-08-07. Review status: criteria provided, single submitter. Criteria: Invitae Variant Classification Sherloc (09022015). Collection method: clinical testing. Allele origin: germline.
Comment: This sequence change falls in intron 11 of the NBN gene. It does not directly change the encoded amino acid sequence of the NBN protein. It affects a nucleotide within the consensus splice site. This variant is present in population databases (rs587780777, gnomAD 0.008%). This variant has not been reported in the literature in individuals affected with NBN-related conditions. ClinVar contains an entry for this variant (Variation ID: 136038). Variants that disrupt the consensus splice site are a relatively common cause of aberrant splicing (PMID: 17576681, 9536098). Algorithms developed to predict the effect of sequence changes on RNA splicing suggest that this variant is not likely to affect RNA splicing. In summary, the available evidence is currently insufficient to determine the role of this variant in disease. Therefore, it has been classified as a Variant of Uncertain Significance.

GeneDx
Classification: Uncertain significance. Last evaluated: 2023-05-18. Review status: criteria provided, single submitter. Criteria: GeneDx Variant Classification Process June 2021. Collection method: clinical testing. Allele origin: germline. Affected: yes.
Comment: Not observed at significant frequency in large population cohorts (gnomAD); In silico analysis supports that this variant does not alter splicing; Has not been previously published as pathogenic or benign to our knowledge

Ambry Genetics
Classification: Uncertain significance for Hereditary cancer-predisposing syndrome. Last evaluated: 2022-07-20. Review status: criteria provided, single submitter. Criteria: Ambry Variant Classification Scheme 2023. Collection method: clinical testing. Allele origin: germline.
Comment: The c.1845+3A>G intronic variant results from an A to G substitution 3 nucleotides after coding exon 11 in the NBN gene. This nucleotide position is highly conserved in available vertebrate species. In silico splice site analysis predicts that this alteration will not have any significant effect on splicing. Since supporting evidence is limited at this time, the clinical significance of this alteration remains unclear.

Women's Health and Genetics/Laboratory Corporation of America, LabCorp
Classification: Uncertain significance. Last evaluated: 2022-07-07. Review status: criteria provided, single submitter. Criteria: LabCorp Variant Classification Summary - May 2015. Collection method: clinical testing. Allele origin: germline.

Genome-Nilou Lab
Classification: Uncertain significance for Microcephaly, normal intelligence and immunodeficiency. Last evaluated: 2021-11-07. Review status: criteria provided, single submitter. Criteria: ACMG Guidelines, 2015. Collection method: clinical testing. Allele origin: germline. Affected: no.

Natera, Inc.
Classification: Uncertain significance for Nijmegen breakage syndrome. Last evaluated: 2021-07-07. Review status: no assertion criteria provided. Collection method: clinical testing. Allele origin: germline. Not counted in ClinVar's aggregate classification.

Literature cited by the submitters: PubMed 17576681 (cited by Labcorp Genetics (formerly Invitae), Labcorp); PubMed 9536098 (cited by Labcorp Genetics (formerly Invitae), Labcorp).

NM_002485.5(NBN):c.1845+3A>G

Gene: NBN (nibrin; minus strand). Cytogenetic location: 8q21.3.
Variant type: single nucleotide variant.
Coding change: c.1845+3A>G on transcript NM_002485.5 (MANE Select); 3 bases into the intron after coding-DNA position 1845, A replaced by G.
Molecular consequence: intron variant.
Genome position (GRCh38, 1-based): chr8:89,953,241, T>C on the plus strand (A>G on the coding strand, the complement: NBN is on the minus strand). VCF-style: chr8-89953241-T-C. GRCh37 (hg19) VCF-style: chr8-90965469-T-C.
Other names: c.1599+3A>G (NM_001024688.3).
Identifiers: ClinVar variation 136038 (VCV000136038.27), dbSNP rs587780777, ClinGen allele CA332819.